The following is an entry in ClinVar:

ClinVar aggregate classification (germline): Conflicting classifications of pathogenicity. Review status: criteria provided, conflicting classifications (1 of 4 stars). 2 submissions from 2 submitters: Uncertain significance (1); Likely benign (1). Last evaluated 2025-08-06.

Conditions:
Hypertrophic cardiomyopathy. Also called: HYPERTROPHIC MYOCARDIOPATHY. Identifiers: Orphanet 217569, MedGen C0007194, MeSH D002312, MONDO:0005045, HP:0001639.

Allele frequency attached by ClinVar (database versions not stated): 1000 Genomes Project 0.00020; gnomAD exomes 0.00004; ExAC 0.00005; gnomAD 0.00005 and 0.00006; TOPMed 0.00006; ESP Exome Variant Server 0.00008.
gnomAD v4.1: 60 of 1,608,568 alleles (0.0037%); highest among the groups gnomAD compares: East Asian, 0.018%; no homozygotes.

Submissions (2):

Labcorp Genetics (formerly Invitae), Labcorp
Classification: Uncertain significance for Hypertrophic cardiomyopathy. Last evaluated: 2025-08-06. Review status: criteria provided, single submitter. Criteria: Invitae Variant Classification Sherloc (09022015). Collection method: clinical testing. Allele origin: germline.
Comment: This sequence change replaces threonine, which is neutral and polar, with methionine, which is neutral and non-polar, at codon 209 of the MYOM1 protein (p.Thr209Met). This variant is present in population databases (rs374540941, gnomAD 0.006%). This variant has not been reported in the literature in individuals affected with MYOM1-related conditions. ClinVar contains an entry for this variant (Variation ID: 580025). An algorithm developed to predict the effect of missense changes on protein structure and function outputs the following: PolyPhen-2: "Possibly Damaging". The methionine amino acid residue is found in multiple mammalian species, which suggests that this missense change does not adversely affect protein function. In summary, the available evidence is currently insufficient to determine the role of this variant in disease. Therefore, it has been classified as a Variant of Uncertain Significance.

Ambry Genetics
Classification: Likely benign. Last evaluated: 2025-02-26. Review status: criteria provided, single submitter. Criteria: Ambry Variant Classification Scheme 2023. Collection method: clinical testing. Allele origin: germline.

NM_003803.4(MYOM1):c.626C>T (p.Thr209Met)

Gene: MYOM1 (myomesin 1; minus strand). Cytogenetic location: 18p11.31.
Variant type: single nucleotide variant.
Coding change: c.626C>T on transcript NM_003803.4 (MANE Select); coding-DNA position 626, C replaced by T.
Protein change: p.Thr209Met; replaces threonine 209 with methionine.
Molecular consequence: missense variant.
Genome position (GRCh38, 1-based): chr18:3,188,893, G>A on the plus strand (C>T on the coding strand, the complement: MYOM1 is on the minus strand). VCF-style: chr18-3188893-G-A. GRCh37 (hg19) VCF-style: chr18-3188891-G-A.
Other names: c.626C>T, p.Thr209Met (NM_019856.2); short protein forms T209M.
Identifiers: ClinVar variation 580025 (VCV000580025.11), dbSNP rs374540941, ClinGen allele CA8875193.